The following is an entry in ClinVar:

ClinVar aggregate classification (germline): Uncertain significance (1 of 4 stars; one submission).

Conditions:
Cardiovascular phenotype. Identifiers: MedGen CN230736.

Submission:

Ambry Genetics
Classification: Uncertain significance for Cardiovascular phenotype. Last evaluated: 2025-02-06. Review status: criteria provided, single submitter. Criteria: Ambry Variant Classification Scheme 2023. Collection method: clinical testing. Allele origin: germline.
Comment: The p.P2513A variant (also known as c.7537C>G), located in coding exon 38 of the ANK2 gene, results from a C to G substitution at nucleotide position 7537. The proline at codon 2513 is replaced by alanine, an amino acid with highly similar properties. This amino acid position is conserved. In addition, the in silico prediction for this alteration is inconclusive. Based on the available evidence, the clinical significance of this variant remains unclear.

NM_001148.6(ANK2):c.7537C>G (p.Pro2513Ala)

Genes: ANK2 (ankyrin 2; plus strand), LOC126807137 (CDK7 strongly-dependent group 2 enhancer GRCh37_chr4:114276560-114277759; plus strand). Cytogenetic location: 4q26.
Variant type: single nucleotide variant.
Coding change: c.7537C>G on transcript NM_001148.6 (MANE Select); coding-DNA position 7537, C replaced by G.
Protein change: p.Pro2513Ala; replaces proline 2513 with alanine.
Molecular consequence: missense variant. On other transcripts: intron variant (68).
Genome position (GRCh38, 1-based): chr4:113,356,155, C>G. VCF-style: chr4-113356155-C-G. GRCh37 (hg19) VCF-style: chr4-114277311-C-G.
Other names: c.7303C>G, p.Pro2435Ala (NM_001386142.1); c.3937C>G, p.Pro1313Ala (NM_001386166.1); c.7678C>G, p.Pro2560Ala (NM_001386174.1); c.7654C>G, p.Pro2552Ala (NM_001386175.1); c.4412-4668C>G (NM_001386186.2, NM_001386148.2); c.4214-4668C>G (NM_001354269.3); c.4292-4668C>G (NM_001386187.2); c.4253-4668C>G (NM_001386147.1); and 35 more; short protein forms P2435A, P2513A, P2552A, P1313A, P2560A.
Identifiers: ClinVar variation 3864211 (VCV003864211.1).